The following is an entry in ClinVar:

ClinVar aggregate classification (germline): Pathogenic (1 of 4 stars; one submission).

Conditions:
Deficiency of guanidinoacetate methyltransferase (CCDS2). Also called: GAMT DEFICIENCY; CEREBRAL CREATINE DEFICIENCY SYNDROME 2; Guanidinoacetate Methyltransferase (GAMT) Deficiency. Identifiers: Orphanet 382, MedGen C0574080, MONDO:0012999, OMIM 612736.

Submission:

Dr. Oladnabi Research Group, Golestan University of Medical Sciences
Classification: Pathogenic for Deficiency of guanidinoacetate methyltransferase. Review status: criteria provided, single submitter. Criteria: ACMG Guidelines, 2015. Collection method: clinical testing. Allele origin: germline. Inheritance: Autosomal recessive inheritance. Affected: yes. Observed: 1 homozygote.
Comment: The GAMT variant (NM_000156.6:c.326A>G) is a missense variant resulting in the substitution of lysine by arginine at position 109 (p.Lys109Arg) in the guanidinoacetate methyltransferase protein. This change may affect protein function, potentially disrupting enzymatic activity involved in creatine biosynthesis. According to ACMG guidelines, it is classified as a variant of uncertain significance (VUS), supported by PM2 (Moderate)—The variant is absent or extremely rare in large population databases such as gnomAD—and PP3 (Supporting)—Multiple lines of computational evidence (e.g., in silico prediction tools) support a deleterious effect on the protein.

Literature cited by the submitters: NCBI Bookshelf NBK3794.

NM_000156.6(GAMT):c.326A>G (p.Lys109Arg)

Gene: GAMT (guanidinoacetate N-methyltransferase; minus strand). Cytogenetic location: 19p13.3.
Variant type: single nucleotide variant.
Coding change: c.326A>G on transcript NM_000156.6 (MANE Select); coding-DNA position 326, A replaced by G.
Protein change: p.Lys109Arg; replaces lysine 109 with arginine.
Molecular consequence: missense variant.
Genome position (GRCh38, 1-based): chr19:1,399,794, T>C on the plus strand (A>G on the coding strand, the complement: GAMT is on the minus strand). VCF-style: chr19-1399794-T-C. GRCh37 (hg19) VCF-style: chr19-1399793-T-C.
Other names: c.326A>G, p.Lys109Arg (NM_138924.3); short protein forms K109R.
Identifiers: ClinVar variation 4686082 (VCV004686082.1).